The following is an entry in ClinVar:

NM_005228.5(EGFR):c.3569C>T (p.Ser1190Phe)

Gene: EGFR (epidermal growth factor receptor; plus strand). Cytogenetic location: 7p11.2.
Variant type: single nucleotide variant.
Coding change: c.3569C>T on transcript NM_005228.5 (MANE Select); coding-DNA position 3569, C replaced by T.
Protein change: p.Ser1190Phe; replaces serine 1190 with phenylalanine.
Molecular consequence: missense variant.
Genome position (GRCh38, 1-based): chr7:55,205,553, C>T. VCF-style: chr7-55205553-C-T. GRCh37 (hg19) VCF-style: chr7-55273246-C-T.
Other names: c.3434C>T, p.Ser1145Phe (NM_001346899.2); c.3410C>T, p.Ser1137Phe (NM_001346900.2); c.2768C>T, p.Ser923Phe (NM_001346941.2); short protein forms S1137F, S923F, S1145F, S1190F.
Identifiers: ClinVar variation 3660390 (VCV003660390.3).
Genomic context (GRCh38, chr7:55,205,553, plus strand): 5'-CTGACTACCAGCAGGACTTCTTTCCCAAGGAAGCCAAGCCAAATGGCATCTTTAAGGGCT[C>T]CACAGCTGAAAATGCAGAATACCTAAGGGTCGCGCCACAAAGCAGTGAATTTATTGGAGC-3'
Protein context (NP_005219.2, residues 1180-1200): EAKPNGIFKG[Ser1190Phe]TAENAEYLRV

ClinVar aggregate classification (germline): Uncertain significance. Review status: criteria provided, multiple submitters, no conflicts (2 of 4 stars). 2 submissions from 2 submitters: Uncertain significance (2). Last evaluated 2025-06-12.

Conditions:
Hereditary cancer-predisposing syndrome. Also called: Hereditary Cancer Syndrome; Tumor predisposition; Hereditary neoplastic syndrome; Neoplastic Syndromes, Hereditary. Identifiers: Orphanet 140162, MedGen C0027672, MeSH D009386, MONDO:0015356.
EGFR-related lung cancer (EGFR). Identifiers: MedGen CN130014.

Submissions (2):

Ambry Genetics
Classification: Uncertain significance for Hereditary cancer-predisposing syndrome. Last evaluated: 2025-06-12. Review status: criteria provided, single submitter. Criteria: Ambry Variant Classification Scheme 2023. Collection method: clinical testing. Allele origin: germline.
Comment: The p.S1190F variant (also known as c.3569C>T), located in coding exon 28 of the EGFR gene, results from a C to T substitution at nucleotide position 3569. The serine at codon 1190 is replaced by phenylalanine, an amino acid with highly dissimilar properties. This amino acid position is poorly conserved in available vertebrate species. In addition, this alteration is predicted to be tolerated by in silico analysis.

Labcorp Genetics (formerly Invitae), Labcorp
Classification: Uncertain significance for EGFR-related lung cancer. Last evaluated: 2024-07-23. Review status: criteria provided, single submitter. Criteria: Invitae Variant Classification Sherloc (09022015). Collection method: clinical testing. Allele origin: germline.
Comment: This sequence change replaces serine, which is neutral and polar, with phenylalanine, which is neutral and non-polar, at codon 1190 of the EGFR protein (p.Ser1190Phe). This variant is not present in population databases (gnomAD no frequency). This variant has not been reported in the literature in individuals affected with EGFR-related conditions. An algorithm developed to predict the effect of missense changes on protein structure and function (PolyPhen-2) suggests that this variant is likely to be tolerated. In summary, the available evidence is currently insufficient to determine the role of this variant in disease. Therefore, it has been classified as a Variant of Uncertain Significance.